The following is an entry in ClinVar:

ClinVar aggregate classification (germline): Uncertain significance. Review status: criteria provided, multiple submitters, no conflicts (2 of 4 stars). 2 submissions from 2 submitters: Uncertain significance (2). Last evaluated 2025-03-22.

Conditions:
Inborn genetic diseases. Identifiers: MedGen C0950123, MeSH D030342.

Allele frequency attached by ClinVar (database versions not stated): gnomAD 0.00005.
gnomAD v4.1: 58 of 1,435,400 alleles (0.004%); highest among the groups gnomAD compares: Admixed American, 0.0093%; no homozygotes.

Submissions (2):

Ambry Genetics
Classification: Uncertain significance for Inborn genetic diseases. Last evaluated: 2025-03-22. Review status: criteria provided, single submitter. Criteria: Ambry Variant Classification Scheme 2023. Collection method: clinical testing. Allele origin: germline.

Labcorp Genetics (formerly Invitae), Labcorp
Classification: Uncertain significance. Last evaluated: 2024-10-09. Review status: criteria provided, single submitter. Criteria: Invitae Variant Classification Sherloc (09022015). Collection method: clinical testing. Allele origin: germline.
Comment: This sequence change replaces glutamic acid, which is acidic and polar, with glutamine, which is neutral and polar, at codon 498 of the MPDZ protein (p.Glu498Gln). This variant is present in population databases (rs749987058, gnomAD 0.009%). This variant has not been reported in the literature in individuals affected with MPDZ-related conditions. An algorithm developed to predict the effect of missense changes on protein structure and function (PolyPhen-2) suggests that this variant is likely to be tolerated. In summary, the available evidence is currently insufficient to determine the role of this variant in disease. Therefore, it has been classified as a Variant of Uncertain Significance.

NM_001378778.1(MPDZ):c.1492G>C (p.Glu498Gln)

Gene: MPDZ (multiple PDZ domain crumbs cell polarity complex component; minus strand). Cytogenetic location: 9p23.
Variant type: single nucleotide variant.
Coding change: c.1492G>C on transcript NM_001378778.1 (MANE Select); coding-DNA position 1492, G replaced by C.
Protein change: p.Glu498Gln; replaces glutamic acid 498 with glutamine.
Molecular consequence: missense variant.
Genome position (GRCh38, 1-based): chr9:13,205,090, C>G on the plus strand (G>C on the coding strand, the complement: MPDZ is on the minus strand). VCF-style: chr9-13205090-C-G. GRCh37 (hg19) VCF-style: chr9-13205089-C-G.
Other names: c.1492G>C (NM_003829.3); c.1492G>C, p.Glu498Gln (NM_001261406.2, NM_001261407.2, NM_001330637.2 and 14 more transcripts); short protein forms E498Q.
Identifiers: ClinVar variation 2898820 (VCV002898820.4), dbSNP rs749987058, ClinGen allele CA189306252.